The following is an entry in ClinVar:

ClinVar aggregate classification (germline): Uncertain significance (1 of 4 stars; one submission).

Submission:

Labcorp Genetics (formerly Invitae), Labcorp
Classification: Uncertain significance. Last evaluated: 2024-09-08. Review status: criteria provided, single submitter. Criteria: Invitae Variant Classification Sherloc (09022015). Collection method: clinical testing. Allele origin: germline.
Comment: This sequence change replaces alanine, which is neutral and non-polar, with glycine, which is neutral and non-polar, at codon 360 of the VARS2 protein (p.Ala360Gly). This variant is not present in population databases (gnomAD no frequency). This variant has not been reported in the literature in individuals affected with VARS2-related conditions. Invitae Evidence Modeling of protein sequence and biophysical properties (such as structural, functional, and spatial information, amino acid conservation, physicochemical variation, residue mobility, and thermodynamic stability) indicates that this missense variant is not expected to disrupt VARS2 protein function with a negative predictive value of 80%. In summary, the available evidence is currently insufficient to determine the role of this variant in disease. Therefore, it has been classified as a Variant of Uncertain Significance.

NM_020442.6(VARS2):c.989C>G (p.Ala330Gly)

Gene: VARS2 (valyl-tRNA synthetase 2, mitochondrial; plus strand). Cytogenetic location: 6p21.33.
Variant type: single nucleotide variant.
Coding change: c.989C>G on transcript NM_020442.6 (MANE Select); coding-DNA position 989, C replaced by G.
Protein change: p.Ala330Gly; replaces alanine 330 with glycine.
Molecular consequence: missense variant.
Genome position (GRCh38, 1-based): chr6:30,918,830, C>G. VCF-style: chr6-30918830-C-G. GRCh37 (hg19) VCF-style: chr6-30886607-C-G.
Other names: c.569C>G, p.Ala190Gly (NM_001167733.3); c.1079C>G, p.Ala360Gly (NM_001167734.2); short protein forms A360G, A190G, A330G.
Identifiers: ClinVar variation 3681974 (VCV003681974.2).